The following is an entry in ClinVar:

NM_012268.4(PLD3):c.341C>T (p.Ala114Val)

Gene: PLD3 (phospholipase D family member 3; plus strand). Cytogenetic location: 19q13.2.
Variant type: single nucleotide variant.
Coding change: c.341C>T on transcript NM_012268.4 (MANE Select); coding-DNA position 341, C replaced by T.
Protein change: p.Ala114Val; replaces alanine 114 with valine.
Molecular consequence: missense variant.
Genome position (GRCh38, 1-based): chr19:40,367,791, C>T. VCF-style: chr19-40367791-C-T. GRCh37 (hg19) VCF-style: chr19-40873698-C-T.
Other names: c.341C>T (NM_012268.2); c.341C>T, p.Ala114Val (NM_001031696.4, NM_001291311.2); short protein forms A114V.
Identifiers: ClinVar variation 2081582 (VCV002081582.5), dbSNP rs192746231, ClinGen allele CA308386684.
Genomic context (GRCh38, chr19:40,367,791, plus strand): 5'-ACTTCCCCAATGCCTCCACGGGGAACCCTTCCACCAGCCAGGCCTGGCTGGGCCTGCTCG[C>T]CGGTGCGCACAGCAGCCTGGACATCGCCTCCTTCTACTGGACCCTCACCAACAATGACAC-3'
Protein context (NP_036400.2, residues 104-124): STSQAWLGLL[Ala114Val]GAHSSLDIAS

ClinVar aggregate classification (germline): Uncertain significance. Review status: criteria provided, multiple submitters, no conflicts (2 of 4 stars). 2 submissions from 2 submitters: Uncertain significance (2). Last evaluated 2024-10-29.

Allele frequency attached by ClinVar (database versions not stated): gnomAD exomes 0.00001; gnomAD 0.00010; 1000 Genomes Project 0.00020; TOPMed 0.00028; 1000 Genomes Project 30x 0.00031.
gnomAD v4.1: 31 of 1,611,766 alleles (0.0019%); highest among the groups gnomAD compares: Admixed American, 0.033%; no homozygotes.

Submissions (2):

Labcorp Genetics (formerly Invitae), Labcorp
Classification: Uncertain significance. Last evaluated: 2024-10-29. Review status: criteria provided, single submitter. Criteria: Invitae Variant Classification Sherloc (09022015). Collection method: clinical testing. Allele origin: germline.
Comment: This sequence change replaces alanine, which is neutral and non-polar, with valine, which is neutral and non-polar, at codon 114 of the PLD3 protein (p.Ala114Val). The frequency data for this variant in the population databases is considered unreliable, as metrics indicate poor data quality at this position in the gnomAD database. This variant has not been reported in the literature in individuals affected with PLD3-related conditions. ClinVar contains an entry for this variant (Variation ID: 2081582). An algorithm developed to predict the effect of missense changes on protein structure and function (PolyPhen-2) suggests that this variant is likely to be tolerated. In summary, the available evidence is currently insufficient to determine the role of this variant in disease. Therefore, it has been classified as a Variant of Uncertain Significance.

Ambry Genetics
Classification: Uncertain significance. Last evaluated: 2023-12-23. Review status: criteria provided, single submitter. Criteria: Ambry Variant Classification Scheme 2023. Collection method: clinical testing. Allele origin: germline.